The following is an entry in ClinVar:

ClinVar aggregate classification (germline): Pathogenic (0 of 4 stars; one submission).

Conditions:
ENDOVE syndrome, limb-only type. Also called: MESOMELIA OF LOWER EXTREMITIES WITH HAND AND FOOT ANOMALIES. Identifiers: MedGen C5543128, MONDO:0030978, OMIM 619217.

Submission:

ClinVar Staff, National Center for Biotechnology Information (NCBI)
Classification: Pathogenic for ENDOVE syndrome, limb-only type. Review status: no assertion criteria provided. Collection method: literature only. Allele origin: germline. Inheritance: Autosomal recessive inheritance. Affected: yes. Observed: 2 variant alleles.
Comment: This deletion was found in 2 individuals, and represents the minimal critical region. Allou et al., 2021 (PubMed 33568816) propose that "Homozygous deletions involving the MAENLI locus result in a complete loss of EN1 expression specifically in the limb (limb-only phenotype).

Literature cited by the submitters: PubMed 33568816.

NC_000002.12:g.118561492_118589320del

Variant type: Deletion.
Identifiers: ClinVar variation 3252043 (VCV003252043.1).